The following is an entry in ClinVar:

ClinVar aggregate classification (germline): Likely benign. Review status: criteria provided, multiple submitters, no conflicts (2 of 4 stars). 3 submissions from 3 submitters: Likely benign (2). 1 of the submissions does not count toward it. Last evaluated 2025-07-30.

Conditions:
Colorectal cancer, susceptibility to, 12 (CRCS12). Also called: COLORECTAL CANCER, SUSCEPTIBILITY TO, ON CHROMOSOME 12q24. Identifiers: Orphanet 220460, MedGen C3554460, MONDO:0014038, OMIM 615083.

Allele frequency attached by ClinVar (database versions not stated): gnomAD exomes below 0.00001; TOPMed below 0.00001.
gnomAD v4.1: 5 of 1,581,050 alleles (0.00032%); highest among the groups gnomAD compares: African/African-American, 0.0013%; no homozygotes.

Submissions (3):

Labcorp Genetics (formerly Invitae), Labcorp
Classification: Likely benign. Last evaluated: 2025-07-30. Review status: criteria provided, single submitter. Criteria: Invitae Variant Classification Sherloc (09022015). Collection method: clinical testing. Allele origin: germline.

GeneDx
Classification: Likely benign. Last evaluated: 2017-06-15. Review status: criteria provided, single submitter. Criteria: GeneDx Variant Classification (06012015). Collection method: clinical testing. Allele origin: germline. Affected: yes.
Comment: This variant is considered likely benign or benign based on one or more of the following criteria: it is a conservative change, it occurs at a poorly conserved position in the protein, it is predicted to be benign by multiple in silico algorithms, and/or has population frequency not consistent with disease.

Counsyl
Classification: Likely benign for Colorectal cancer, susceptibility to, 12. Last evaluated: 2016-10-10. Review status: no assertion criteria provided. Collection method: clinical testing. Allele origin: unknown. Not counted in ClinVar's aggregate classification.

NM_006231.4(POLE):c.2027-16A>G

Gene: POLE (DNA polymerase epsilon, catalytic subunit; minus strand). Cytogenetic location: 12q24.33.
Variant type: single nucleotide variant.
Coding change: c.2027-16A>G on transcript NM_006231.4 (MANE Select); 16 bases into the intron before coding-DNA position 2027, A replaced by G.
Molecular consequence: intron variant.
Genome position (GRCh38, 1-based): chr12:132,668,518, T>C on the plus strand (A>G on the coding strand, the complement: POLE is on the minus strand). VCF-style: chr12-132668518-T-C. GRCh37 (hg19) VCF-style: chr12-133245104-T-C.
Identifiers: ClinVar variation 372010 (VCV000372010.10), dbSNP rs1057517614, ClinGen allele CA16042131.